The following is an entry in ClinVar:

NM_000465.4(BARD1):c.556A>G (p.Ser186Gly)

Gene: BARD1 (BRCA1 associated RING domain 1; minus strand). Cytogenetic location: 2q35.
Variant type: single nucleotide variant.
Coding change: c.556A>G on transcript NM_000465.4 (MANE Select); coding-DNA position 556, A replaced by G.
Protein change: p.Ser186Gly; replaces serine 186 with glycine.
Molecular consequence: missense variant. On other transcripts: non-coding transcript variant (2), intron variant (3).
Genome position (GRCh38, 1-based): chr2:214,781,318, T>C on the plus strand (A>G on the coding strand, the complement: BARD1 is on the minus strand). VCF-style: chr2-214781318-T-C. GRCh37 (hg19) VCF-style: chr2-215646042-T-C.
Other names: c.499A>G, p.Ser167Gly (NM_001282543.2); c.158+28094A>G (NM_001282548.2); c.215+15743A>G (NM_001282545.2); c.364+10979A>G (NM_001282549.2); short protein forms S186G, S167G.
Identifiers: ClinVar variation 230396 (VCV000230396.43), dbSNP rs16852741, ClinGen allele CA2090411.

ClinVar aggregate classification (germline): Conflicting classifications of pathogenicity. Review status: criteria provided, conflicting classifications (1 of 4 stars). 13 submissions from 13 submitters: Uncertain significance (8); Benign (1); Likely benign (3). 1 of the submissions does not count toward it. Last evaluated 2026-01-26.

Conditions:
Familial cancer of breast. Also called: BREAST CANCER, FAMILIAL; hereditary breast carcinoma; Hereditary breast cancer. Identifiers: Orphanet 227535, MedGen C0346153, MONDO:0016419, OMIM 114480. Disease mechanism: loss of function.
Ovarian cancer. Also called: OVARIAN CANCER, SOMATIC. Identifiers: Orphanet 213500, MedGen C1140680, MONDO:0008170, OMIM 167000.
Hereditary cancer-predisposing syndrome. Also called: Neoplastic Syndromes, Hereditary; Tumor predisposition; Hereditary Cancer Syndrome; Hereditary neoplastic syndrome. Identifiers: Orphanet 140162, MedGen C0027672, MeSH D009386, MONDO:0015356.
Malignant tumor of breast. Also called: Malignant breast neoplasm; Cancer breast. Identifiers: MedGen C0006142, MONDO:0007254. Disease mechanism: loss of function.
Hereditary breast ovarian cancer syndrome. Also called: BRCA1- and BRCA2-Associated Hereditary Breast and Ovarian Cancer; Hereditary breast and ovarian cancer syndrome; Hereditary breast and ovarian cancer; Hereditary breast and ovarian cancer syndrome (HBOC); Breast and ovarian cancer; Hereditary breast and/or ovarian cancer syndrome. Identifiers: Orphanet 145, MedGen C0677776, MeSH D061325, MONDO:0003582. Disease mechanism: loss of function.

Allele frequency attached by ClinVar (database versions not stated): gnomAD 0.00002 and 0.00003; TOPMed 0.00004; gnomAD exomes 0.00005.
gnomAD v4.1: 71 of 1,612,818 alleles (0.0044%); highest among the groups gnomAD compares: East Asian, 0.15%; no homozygotes.

Submissions (13):

Labcorp Genetics (formerly Invitae), Labcorp
Classification: Uncertain significance for Familial cancer of breast. Last evaluated: 2026-01-26. Review status: criteria provided, single submitter. Criteria: Invitae Variant Classification Sherloc (09022015). Collection method: clinical testing. Allele origin: germline.
Comment: This sequence change replaces serine, which is neutral and polar, with glycine, which is neutral and non-polar, at codon 186 of the BARD1 protein (p.Ser186Gly). The frequency data for this variant in the population databases is considered unreliable, as metrics indicate poor data quality at this position in the gnomAD database. This missense change has been observed in individual(s) with clinical features of BARD1-related conditions (PMID: 25186627, 30982232, 31666926, 32068069, 33309985, 34754157). ClinVar contains an entry for this variant (Variation ID: 230396). An algorithm developed to predict the effect of missense changes on protein structure and function (PolyPhen-2) suggests that this variant is likely to be tolerated. RNA analysis performed to evaluate the impact of this missense change on mRNA splicing indicates it does not significantly alter splicing (internal data). In summary, the available evidence is currently insufficient to determine the role of this variant in disease. Therefore, it has been classified as a Variant of Uncertain Significance.

Center for Genomic Medicine, Rigshospitalet, Copenhagen University Hospital
Classification: Uncertain significance. Last evaluated: 2025-12-29. Review status: criteria provided, single submitter. Criteria: ACMG Guidelines, 2015. Collection method: clinical testing. Allele origin: germline.

Quest Diagnostics Nichols Institute San Juan Capistrano
Classification: Likely benign. Last evaluated: 2024-12-14. Review status: criteria provided, single submitter. Criteria: Quest Diagnostics criteria. Collection method: clinical testing. Allele origin: unknown.

Baylor Genetics
Classification: Uncertain significance for Familial cancer of breast. Last evaluated: 2024-02-07. Review status: criteria provided, single submitter. Criteria: ACMG Guidelines, 2015. Collection method: clinical testing. Allele origin: unknown.

Ambry Genetics
Classification: Likely benign for Hereditary cancer-predisposing syndrome. Last evaluated: 2022-12-06. Review status: criteria provided, single submitter. Criteria: Ambry Variant Classification Scheme 2023. Collection method: clinical testing. Allele origin: germline.

GeneDx
Classification: Uncertain significance. Last evaluated: 2022-11-11. Review status: criteria provided, single submitter. Criteria: GeneDx Variant Classification Process June 2021. Collection method: clinical testing. Allele origin: germline. Affected: yes.
Comment: In silico analysis supports that this missense variant does not alter protein structure/function; In silico analysis suggests this variant may impact gene splicing. In the absence of RNA/functional studies, the actual effect of this sequence change is unknown.; Observed in individuals with breast and pancreatic cancer, but also in unaffected controls (Tung et al., 2015; Mizukami et al., 2020); This variant is associated with the following publications: (PMID: 19139070, 23056176, 25186627, 32566746, 32980694)

Women's Health and Genetics/Laboratory Corporation of America, LabCorp
Classification: Uncertain significance. Last evaluated: 2022-10-06. Review status: criteria provided, single submitter. Criteria: LabCorp Variant Classification Summary - May 2015. Collection method: clinical testing. Allele origin: germline.
Comment: Variant summary: BARD1 c.556A>G (p.Ser186Gly) results in a non-conservative amino acid change in the encoded protein sequence. Three of five in-silico tools predict a benign effect of the variant on protein function. The variant allele was found at a frequency of 4.8e-05 in 250122 control chromosomes. This frequency is not significantly higher than expected for a pathogenic variant in BARD1 causing Hereditary Breast And Ovarian Cancer Syndrome (4.8e-05 vs 0.00025). However, the variant was found in the East Asian population at a frequency that is 2.4 fold above the maximum expected allele frequency for a pathogenic variant, suggesting the variant is a benign polymorphism in the East Asian population. c.556A>G has been reported in the literature in individuals affected with breast, colorectal and biliary tract cancer as well as in patients with PJS, without strong evidence for causality (Tung_2015, Wang_2019, Terashima_2019, Kwong_2020, Fujita_2020, Gu_2021). These reports do not provide unequivocal conclusions about association of the variant with Hereditary Breast And Ovarian Cancer Syndrome. To our knowledge, no experimental evidence demonstrating an impact on protein function has been reported. Eight clinical diagnostic laboratories have submitted clinical-significance assessments for this variant to ClinVar after 2014 without evidence for independent evaluation. Seven submitters classified the variant as VUS while one classified as likely benign. Based on the evidence outlined above, the variant was classified as VUS - possibly benign.

Laboratory of Molecular Epidemiology of Birth Defects, West China Second University Hospital, Sichuan University
Classification: Benign for Ovarian cancer. Last evaluated: 2022-01-01. Review status: criteria provided, single submitter. Criteria: ACMG Guidelines, 2015. Collection method: clinical testing. Allele origin: germline. Affected: yes.

Sema4
Classification: Uncertain significance for Hereditary cancer-predisposing syndrome. Last evaluated: 2021-07-15. Review status: criteria provided, single submitter. Criteria: Sema4 Curation Guidelines. Collection method: curation. Allele origin: germline.
Comment: The BARD1 c.556A>G (p.S186G) variant has been reported in heterozygosity in numerous individuals with breast and pancreatic cancers (PMID: 25186627, 33471991, 32980694). It was observed in 14/19924 chromosomes of the East Asian subpopulation, with no homozygotes, in the large and broad cohorts of the Genome Aggregation Database. The variant has been reported in ClinVar (Variation ID 230396). Functional studies have not been performed and in silico tool predictions of the variant's effect on protein function are inconclusive. The evidence is insufficient to meet ACMG/AMP criteria for classifying the variant as benign or pathogenic. Thus, the clinical significance of this variant is currently uncertain.

Color Diagnostics, LLC DBA Color Health
Classification: Likely benign for Hereditary cancer-predisposing syndrome. Last evaluated: 2020-04-13. Review status: criteria provided, single submitter. Criteria: ACMG Guidelines, 2015. Collection method: clinical testing. Allele origin: germline.

Cancer Genomics Group, Japanese Foundation For Cancer Research
Classification: Uncertain significance for Hereditary breast and ovarian cancer syndrome. Last evaluated: 2019-05-01. Review status: criteria provided, single submitter. Criteria: ACMG Guidelines, 2015. Collection method: research. Allele origin: germline. Affected: yes.

Fulgent Genetics
Classification: Uncertain significance for Familial cancer of breast. Last evaluated: 2018-10-31. Review status: criteria provided, single submitter. Criteria: ACMG Guidelines, 2015. Collection method: clinical testing. Allele origin: unknown.

Department of Pathology and Laboratory Medicine, Sinai Health System
Classification: Uncertain significance for Malignant tumor of breast. Review status: no assertion criteria provided. Collection method: clinical testing. Allele origin: unknown. Affected: yes. Observed: 1 variant allele. Study: The Canadian Open Genetics Repository (COGR). Not counted in ClinVar's aggregate classification.
Comment: The BARD1 p.Ser186Gly variant was not identified in the literature nor was it identified in the Cosmic, or MutDB databases. The variant was identified in dbSNP (ID: rs16852741) as â€šÃ„ÃºWith Uncertain significance alleleâ€šÃ„Ã¹, ClinVar (as uncertain significance by Ambry Genetics, GeneDx, Color Genomics, Invitae, and Laboratory Corporation of America), Clinvitae (3x as in ClinVar), and Zhejiang Colon Cancer Database (1x). The variant was identified in control databases in 12 of 244950 chromosomes at a frequency of 0.000049 (Genome Aggregation Database Feb 27, 2017). Breakdown of the observations by population include Other in 1 of 5462 chromosomes (freq: 0.000183), East Asian in 11 of 17222 chromosomes (freq: 0.000639), while the variant was not observed in the African, Latino, European (Non-Finnish), Ashkenazi Jewish, European Finnish, and South Asian populations. The p.Ser186Gly residue is not conserved in mammals and computational analyses (PolyPhen-2, SIFT, AlignGVGD, BLOSUM, MutationTaster) provide inconsistent predictions regarding the impact to the protein; this information is not very predictive of pathogenicity. The variant occurs outside of the splicing consensus sequence and 5 of 5 in silico or computational prediction software programs (SpliceSiteFinder, MaxEntScan, NNSPLICE, GeneSplicer, HumanSpliceFinder) predict a greater than 10% difference in splicing. However, this information is not predictive enough to assume pathogenicity. In addition, the variant was identified with a co-occurring pathogenic PALB2 variant (p.Arg414X), increasing the likelihood that the p.Ser186Gly variant does not have clinical significance. In summary, based on the above information the clinical significance of this variant cannot be determined with certainty at this time. This variant is classified as a variant of uncertain significance.

Literature cited by the submitters: PubMed 25186627 (cited by 5 submitters); PubMed 30982232 (cited by 3 submitters); PubMed 31666926 (cited by 4 submitters); PubMed 32068069 (cited by Labcorp Genetics (formerly Invitae), Labcorp and Women's Health and Genetics/Laboratory Corporation of America, LabCorp); PubMed 33309985 (cited by 4 submitters); PubMed 34754157 (cited by Labcorp Genetics (formerly Invitae), Labcorp and Women's Health and Genetics/Laboratory Corporation of America, LabCorp); PubMed 23056176 (cited by Quest Diagnostics Nichols Institute San Juan Capistrano); PubMed 19139070 (cited by Quest Diagnostics Nichols Institute San Juan Capistrano); PubMed 15855157 (cited by Quest Diagnostics Nichols Institute San Juan Capistrano); PubMed 36135357 (cited by Quest Diagnostics Nichols Institute San Juan Capistrano); PubMed 38136308 (cited by Quest Diagnostics Nichols Institute San Juan Capistrano); PubMed 29905759 (cited by Quest Diagnostics Nichols Institute San Juan Capistrano); PubMed 32091409 (cited by Quest Diagnostics Nichols Institute San Juan Capistrano); PubMed 33471991 (cited by Ambry Genetics and Sema4); PubMed 32980694 (cited by Sema4).